The following is an entry in ClinVar:

NM_023110.3(FGFR1):c.1735C>G (p.Pro579Ala)

Gene: FGFR1 (fibroblast growth factor receptor 1; minus strand). Cytogenetic location: 8p11.23.
Variant type: single nucleotide variant.
Coding change: c.1735C>G on transcript NM_023110.3 (MANE Select); coding-DNA position 1735, C replaced by G.
Protein change: p.Pro579Ala; replaces proline 579 with alanine.
Molecular consequence: missense variant.
Genome position (GRCh38, 1-based): chr8:38,415,989, G>C on the plus strand (C>G on the coding strand, the complement: FGFR1 is on the minus strand). VCF-style: chr8-38415989-G-C. GRCh37 (hg19) VCF-style: chr8-38273507-G-C.
Other names: c.1729C>G, p.Pro577Ala (NM_001174063.2, NM_001174065.2, NM_001354367.2 and 1 more transcripts); c.1705C>G, p.Pro569Ala (NM_001174064.2); c.1468C>G, p.Pro490Ala (NM_001174066.2, NM_023105.3); c.1828C>G, p.Pro610Ala (NM_001174067.2); c.1456C>G, p.Pro486Ala (NM_001354368.2); c.1723C>G, p.Pro575Ala (NM_001354369.2, NM_001410922.1); c.1462C>G, p.Pro488Ala (NM_001354370.2, NM_023106.3); short protein forms P486A, P488A, P490A, P569A, P575A, P577A, P579A, P610A.
Identifiers: ClinVar variation 4881455 (VCV004881455.2).

ClinVar aggregate classification (germline): Uncertain significance (1 of 4 stars; one submission).

gnomAD v4.1: 1 of 1,613,964 alleles (0.000062%); highest among the groups gnomAD compares: Non-Finnish European, 0.000085%; no homozygotes.

Submission:

Dasa
Classification: Uncertain significance. Last evaluated: 2026-03-03. Review status: criteria provided, single submitter. Criteria: DASA Assertion Criteria. Collection method: clinical testing. Allele origin: germline.
Comment: NM_023110.3(FGFR1):c.1735C>G (p.Pro579Ala) is a missense variant that results in the substitution of proline with alanine. The affected residue or protein region has prior evidence supporting clinical relevance. This variant is rare in population databases. The currently available literature and clinical evidence are not sufficient to establish a definitive association between this variant and the reported condition. Therefore, this variant is classified as a variant of uncertain significance.